The following is an entry in ClinVar:

NM_144997.7(FLCN):c.764A>C (p.His255Pro)

Gene: FLCN (folliculin; minus strand). Cytogenetic location: 17p11.2.
Variant type: single nucleotide variant.
Coding change: c.764A>C on transcript NM_144997.7 (MANE Select); coding-DNA position 764, A replaced by C.
Protein change: p.His255Pro; replaces histidine 255 with proline.
Molecular consequence: missense variant.
Genome position (GRCh38, 1-based): chr17:17,222,516, T>G on the plus strand (A>C on the coding strand, the complement: FLCN is on the minus strand). VCF-style: chr17-17222516-T-G. GRCh37 (hg19) VCF-style: chr17-17125830-T-G.
Other names: c.764A>C (LRG_325t1); c.818A>C, p.His273Pro (NM_001353229.2); c.764A>C, p.His255Pro (NM_001353230.2, NM_001353231.2, NM_144606.7); short protein forms H255P, H273P.
Identifiers: ClinVar variation 253237 (VCV000253237.11), dbSNP rs879255665, ClinGen allele CA10586266.

ClinVar aggregate classification (germline): Conflicting classifications of pathogenicity. Review status: criteria provided, conflicting classifications (1 of 4 stars). 6 submissions from 6 submitters: Pathogenic (1); Likely pathogenic (3); Uncertain significance (2). Last evaluated 2026-09-29.

Conditions:
Birt-Hogg-Dube syndrome 1 (BHD1). Also called: FIBROFOLLICULOMAS WITH TRICHODISCOMAS AND ACROCHORDONS. Identifiers: Orphanet 122, MedGen CN375946, MONDO:0800445, OMIM 135150.
Hereditary cancer-predisposing syndrome. Also called: Hereditary Cancer Syndrome; Tumor predisposition; Hereditary neoplastic syndrome; Neoplastic Syndromes, Hereditary. Identifiers: Orphanet 140162, MedGen C0027672, MeSH D009386, MONDO:0015356.
Birt-Hogg-Dube syndrome. Also called: Birt Hogg Dubé syndrome. Identifiers: Orphanet 122, MedGen C0346010, MONDO:0800444.

Allele frequency attached by ClinVar (database versions not stated): gnomAD 0.00001; gnomAD exomes below 0.00001; TOPMed below 0.00001.
gnomAD v4.1: 3 of 1,614,078 alleles (0.00019%); highest among the groups gnomAD compares: Non-Finnish European, 0.00017%; no homozygotes.

Submissions (6):

Myriad Genetics, Inc.
Classification: Likely pathogenic for Birt-Hogg-Dube syndrome 1. Last evaluated: 2026-09-29. Review status: criteria provided, single submitter. Criteria: Myriad Autosomal Dominant, Autosomal Recessive and X-Linked Classification Criteria (2023). Collection method: clinical testing. Allele origin: unknown.
Comment: This variant is considered likely pathogenic. Functional studies indicate this variant impacts protein function [PMID: 33137092, 21538689]. This variant is expected to disrupt protein structure [Myriad internal data]. This variant has been reported in multiple individuals with clinical features of gene-specific disease [PMID: 21538689, 41193855].

Ambry Genetics
Classification: Likely pathogenic for Hereditary cancer-predisposing syndrome. Last evaluated: 2025-05-15. Review status: criteria provided, single submitter. Criteria: Ambry Variant Classification Scheme 2023. Collection method: clinical testing. Allele origin: germline.
Comment: The p.H255P variant (also known as c.764A>C), located in coding exon 4 of the FLCN gene, results from an A to C substitution at nucleotide position 764. The histidine at codon 255 is replaced by proline, an amino acid with similar properties. This variant was reported in individual(s) with features consistent with Birt-Hogg-Dube syndrome (Ambry internal data). This amino acid position is highly conserved in available vertebrate species. In addition, this alteration is predicted to be deleterious by in silico analysis. Based on the majority of available evidence to date, this variant is likely to be pathogenic.

Labcorp Genetics (formerly Invitae), Labcorp
Classification: Uncertain significance for Birt-Hogg-Dube syndrome. Last evaluated: 2024-11-03. Review status: criteria provided, single submitter. Criteria: Invitae Variant Classification Sherloc (09022015). Collection method: clinical testing. Allele origin: germline.
Comment: This sequence change replaces histidine, which is basic and polar, with proline, which is neutral and non-polar, at codon 255 of the FLCN protein (p.His255Pro). This variant is present in population databases (no rsID available, gnomAD 0.0009%). This missense change has been observed in individual(s) with Birt-Hogg-Dubé syndrome (PMID: 21538689). ClinVar contains an entry for this variant (Variation ID: 253237). Invitae Evidence Modeling of protein sequence and biophysical properties (such as structural, functional, and spatial information, amino acid conservation, physicochemical variation, residue mobility, and thermodynamic stability) indicates that this missense variant is expected to disrupt FLCN protein function with a positive predictive value of 80%. Experimental studies have shown that this missense change affects FLCN function (PMID: 21538689, 33137092). This variant disrupts the p.His255 amino acid residue in FLCN. Other variant(s) that disrupt this residue have been observed in individuals with FLCN-related conditions (PMID: 19850877, 21538689, 33137092), which suggests that this may be a clinically significant amino acid residue. In summary, the available evidence is currently insufficient to determine the role of this variant in disease. Therefore, it has been classified as a Variant of Uncertain Significance.

Clinical Genetics Laboratory, Skane University Hospital Lund
Classification: Likely pathogenic. Last evaluated: 2023-02-02. Review status: criteria provided, single submitter. Criteria: ACMG Guidelines, 2015. Collection method: clinical testing. Allele origin: germline. Affected: yes.

Genomic Diagnostic Laboratory, Division of Genomic Diagnostics, Children's Hospital of Philadelphia
Classification: Uncertain significance for Birt-Hogg-Dube Syndrome. Last evaluated: 2016-07-18. Review status: criteria provided, single submitter. Criteria: DGD Variant Analysis Guidelines. Collection method: clinical testing. Allele origin: germline. Affected: yes. Observed: 1 variant allele.
Comment: Clinical Testing

Clinical Genetics and Genomics, Karolinska University Hospital
Classification: Pathogenic. Last evaluated: 2016-04-05. Review status: criteria provided, single submitter. Criteria: ACMG Guidelines, 2015. Collection method: clinical testing. Allele origin: germline. Affected: yes. Observed: 6 variant alleles.

Literature cited by the submitters: PubMed 33137092 (cited by Myriad Genetics, Inc. and Labcorp Genetics (formerly Invitae), Labcorp); PubMed 21538689 (cited by Myriad Genetics, Inc. and Labcorp Genetics (formerly Invitae), Labcorp); PubMed 41193855 (cited by Myriad Genetics, Inc.); PubMed 19850877 (cited by Labcorp Genetics (formerly Invitae), Labcorp).